The following is an entry in ClinVar:

NM_004329.3(BMPR1A):c.729C>G (p.Gly243=)

Gene: BMPR1A (bone morphogenetic protein receptor type 1A; plus strand). Cytogenetic location: 10q23.2.
Variant type: single nucleotide variant.
Coding change: c.729C>G on transcript NM_004329.3 (MANE Select); coding-DNA position 729, C replaced by G.
Protein change: p.Gly243=; no amino-acid change (glycine 243 retained).
Molecular consequence: synonymous variant. On other transcripts: non-coding transcript variant (3).
Genome position (GRCh38, 1-based): chr10:86,917,187, C>G. VCF-style: chr10-86917187-C-G. GRCh37 (hg19) VCF-style: chr10-88676944-C-G.
Other names: c.804C>G, p.Gly268= (NM_001406559.1); c.777C>G, p.Gly259= (NM_001406560.1); c.729C>G, p.Gly243= (NM_001406561.1, NM_001406562.1, NM_001406563.1 and 19 more transcripts); c.723C>G, p.Gly241= (NM_001406583.1); c.645C>G, p.Gly215= (NM_001406584.1, NM_001406585.1, NM_001406586.1 and 2 more transcripts); c.387C>G, p.Gly129= (NM_001406589.1).
Identifiers: ClinVar variation 2054933 (VCV002054933.7), dbSNP rs770821763, ClinGen allele CA5585593.

ClinVar aggregate classification (germline): Benign/Likely benign. Review status: criteria provided, multiple submitters, no conflicts (2 of 4 stars). 3 submissions from 3 submitters: Benign (1); Likely benign (2). Last evaluated 2025-07-28.

Conditions:
Juvenile polyposis syndrome (JPS). Identifiers: Orphanet 2929, MedGen C0345893, MONDO:0017380, OMIM 174900.
Hereditary cancer-predisposing syndrome. Also called: Neoplastic Syndromes, Hereditary; Hereditary Cancer Syndrome; Tumor predisposition; Hereditary neoplastic syndrome. Identifiers: Orphanet 140162, MedGen C0027672, MeSH D009386, MONDO:0015356.

gnomAD v4.1: 33 of 1,613,960 alleles (0.002%); highest among the groups gnomAD compares: Non-Finnish European, 0.0028%; no homozygotes.

Submissions (3):

Labcorp Genetics (formerly Invitae), Labcorp
Classification: Likely benign for Juvenile polyposis syndrome. Last evaluated: 2025-07-28. Review status: criteria provided, single submitter. Criteria: Invitae Variant Classification Sherloc (09022015). Collection method: clinical testing. Allele origin: germline.

Myriad Genetics, Inc.
Classification: Benign for Juvenile polyposis syndrome. Last evaluated: 2024-08-05. Review status: criteria provided, single submitter. Criteria: Myriad Autosomal Dominant, Autosomal Recessive and X-Linked Classification Criteria (2023). Collection method: clinical testing. Allele origin: unknown.
Comment: This variant is considered benign. This variant is a silent/synonymous amino acid change and it is not expected to impact splicing.

Ambry Genetics
Classification: Likely benign for Hereditary cancer-predisposing syndrome. Last evaluated: 2023-06-01. Review status: criteria provided, single submitter. Criteria: Ambry Variant Classification Scheme 2023. Collection method: clinical testing. Allele origin: germline.